The following is an entry in ClinVar:

NM_001035.3(RYR2):c.9417T>G (p.Ala3139=)

Gene: RYR2 (ryanodine receptor 2; plus strand). Cytogenetic location: 1q43.
Variant type: single nucleotide variant.
Coding change: c.9417T>G on transcript NM_001035.3 (MANE Select); coding-DNA position 9417, T replaced by G.
Protein change: p.Ala3139=; no amino-acid change (alanine 3139 retained).
Molecular consequence: synonymous variant.
Genome position (GRCh38, 1-based): chr1:237,702,027, T>G. VCF-style: chr1-237702027-T-G. GRCh37 (hg19) VCF-style: chr1-237865327-T-G.
Identifiers: ClinVar variation 1602168 (VCV001602168.11), dbSNP rs765394638, ClinGen allele CA39787867.

ClinVar aggregate classification (germline): Likely benign. Review status: criteria provided, multiple submitters, no conflicts (2 of 4 stars). 4 submissions from 4 submitters: Likely benign (4). Last evaluated 2024-10-01.

Conditions:
Catecholaminergic polymorphic ventricular tachycardia (CVPT). Also called: Catecholamine-induced polymorphic ventricular tachycardia. Identifiers: Orphanet 3286, MedGen C5574922, MONDO:0017990.
Cardiomyopathy (CMYO). Also called: Cardiomyopathies. Identifiers: Orphanet 167848, MedGen C0878544, MONDO:0004994, HP:0001638. Inheritance: Various modes of inheritance.
Catecholaminergic polymorphic ventricular tachycardia 1. Also called: VENTRICULAR TACHYCARDIA, CATECHOLAMINERGIC POLYMORPHIC, 1, WITH OR WITHOUT ATRIAL DYSFUNCTION AND/OR DILATED CARDIOMYOPATHY; RYR2-Related Catecholaminergic Polymorphic Ventricular Tachycardia; VENTRICULAR TACHYCARDIA, STRESS-INDUCED POLYMORPHIC 1. Identifiers: Orphanet 3286, MedGen C1631597, MONDO:0011484, OMIM 604772.

Allele frequency attached by ClinVar (database versions not stated): gnomAD exomes below 0.00001 and 0.00001; TOPMed below 0.00001.
gnomAD v4.1: 17 of 1,607,728 alleles (0.0011%); highest among the groups gnomAD compares: Non-Finnish European, 0.0014%; no homozygotes.

Submissions (4):

Labcorp Genetics (formerly Invitae), Labcorp
Classification: Likely benign for Catecholaminergic polymorphic ventricular tachycardia 1. Last evaluated: 2024-10-01. Review status: criteria provided, single submitter. Criteria: Invitae Variant Classification Sherloc (09022015). Collection method: clinical testing. Allele origin: germline.

All of Us Research Program, National Institutes of Health
Classification: Likely benign for Catecholaminergic polymorphic ventricular tachycardia. Last evaluated: 2024-05-30. Review status: criteria provided, single submitter. Criteria: ACMG Guidelines, 2015. Collection method: clinical testing. Allele origin: germline. Inheritance: Autosomal dominant inheritance. Observed: 1 variant allele, 1 heterozygote.
Comment: This study involves interpretation of variants in research participants for the purpose of population health screening. Participant phenotype was not available at the time of variant classification. Additional details can be found in publication PMID: 35346344, PMCID: PMC8962531

Blueprint Genetics
Classification: Likely benign. Last evaluated: 2023-12-05. Review status: criteria provided, single submitter. Criteria: ACMG Guidelines, 2015. Collection method: clinical testing. Allele origin: germline.

Color Diagnostics, LLC DBA Color Health
Classification: Likely benign for Cardiomyopathy. Last evaluated: 2022-11-06. Review status: criteria provided, single submitter. Criteria: ACMG Guidelines, 2015. Collection method: clinical testing. Allele origin: germline.